The following is an entry in ClinVar:

ClinVar aggregate classification (germline): Pathogenic/Likely pathogenic. Review status: criteria provided, multiple submitters, no conflicts (2 of 4 stars). 3 submissions from 3 submitters: Pathogenic (1); Likely pathogenic (2). Last evaluated 2024-08-08.

Conditions:
Autosomal recessive limb-girdle muscular dystrophy type 2C (LGMDR5). Also called: MUSCULAR DYSTROPHY, LIMB-GIRDLE, AUTOSOMAL RECESSIVE 5; MUSCULAR DYSTROPHY, DUCHENNE-LIKE. Identifiers: Orphanet 353, MedGen C0410173, MONDO:0009677, OMIM 253700. Disease mechanism: Affects gamma-sarcoglycan and also disrupts the integrity of the entire sarcoglycan complex..

Allele frequency attached by ClinVar (database versions not stated): gnomAD exomes below 0.00001.
gnomAD v4.1: 4 of 1,612,100 alleles (0.00025%); highest among the groups gnomAD compares: Non-Finnish European, 0.00034%; no homozygotes.

Submissions (3):

Natera, Inc.
Classification: Likely pathogenic for Limb-girdle muscular dystrophy type 2C. Last evaluated: 2024-08-08. Review status: criteria provided, single submitter. Criteria: Natera Variant Classification Schema (03/2026). Collection method: clinical testing. Allele origin: germline.
Comment: The c.216T>A variant in SGCG is a nonsense variant predicted to introduce a stop codon at amino acid 72. This variant is expected to result in nonsense mediated decay, truncation, or a dysfunctional protein product. This variant is rare in the general population with a frequency below the threshold expected for the associated phenotype(s). Given the available evidence, this variant is classified as Likely Pathogenic.

Baylor Genetics
Classification: Likely pathogenic for Autosomal recessive limb-girdle muscular dystrophy type 2C. Last evaluated: 2023-12-19. Review status: criteria provided, single submitter. Criteria: ACMG Guidelines, 2015. Collection method: clinical testing. Allele origin: unknown.

Labcorp Genetics (formerly Invitae), Labcorp
Classification: Pathogenic for Autosomal recessive limb-girdle muscular dystrophy type 2C. Last evaluated: 2022-12-19. Review status: criteria provided, single submitter. Criteria: Invitae Variant Classification Sherloc (09022015). Collection method: clinical testing. Allele origin: germline.
Comment: For these reasons, this variant has been classified as Pathogenic. This variant has not been reported in the literature in individuals affected with SGCG-related conditions. This variant is not present in population databases (gnomAD no frequency). This sequence change creates a premature translational stop signal (p.Cys72*) in the SGCG gene. It is expected to result in an absent or disrupted protein product. Loss-of-function variants in SGCG are known to be pathogenic (PMID: 18285821).

Literature cited by the submitters: PubMed 18285821 (cited by Labcorp Genetics (formerly Invitae), Labcorp).

NM_000231.3(SGCG):c.216T>A (p.Cys72Ter)

Gene: SGCG (sarcoglycan gamma; plus strand). Cytogenetic location: 13q12.12.
Variant type: single nucleotide variant.
Coding change: c.216T>A on transcript NM_000231.3 (MANE Select); coding-DNA position 216, T replaced by A.
Protein change: p.Cys72Ter; replaces cysteine 72 with a stop codon.
Molecular consequence: nonsense.
Genome position (GRCh38, 1-based): chr13:23,234,631, T>A. VCF-style: chr13-23234631-T-A. GRCh37 (hg19) VCF-style: chr13-23808770-T-A.
Other names: c.270T>A, p.Cys90Ter (NM_001378244.1); c.216T>A, p.Cys72Ter (NM_001378245.1, NM_001378246.1); short protein forms C90*, C72*.
Identifiers: ClinVar variation 2726181 (VCV002726181.5), dbSNP rs1474297447, ClinGen allele CA387506440.